The following is an entry in ClinVar:

NM_001033855.3(DCLRE1C):c.462C>T (p.Gly154=)

Gene: DCLRE1C (DNA cross-link repair 1C; minus strand). Cytogenetic location: 10p13.
Variant type: single nucleotide variant.
Coding change: c.462C>T on transcript NM_001033855.3 (MANE Select); coding-DNA position 462, C replaced by T.
Protein change: p.Gly154=; no amino-acid change (glycine 154 retained).
Molecular consequence: synonymous variant. On other transcripts: non-coding transcript variant (4).
Genome position (GRCh38, 1-based): chr10:14,935,465, G>A on the plus strand (C>T on the coding strand, the complement: DCLRE1C is on the minus strand). VCF-style: chr10-14935465-G-A. GRCh37 (hg19) VCF-style: chr10-14977464-G-A.
Other names: c.102C>T, p.Gly34= (NM_001033857.3, NM_001033858.3, NM_001289077.2 and 2 more transcripts); c.117C>T, p.Gly39= (NM_001289076.2, NM_001289078.2, NM_001350966.2 and 1 more transcripts); c.462C>T, p.Gly154= (NM_001350965.2).
Identifiers: ClinVar variation 2098585 (VCV002098585.4), dbSNP rs2492038120, ClinGen allele CA468272661.

ClinVar aggregate classification (germline): Uncertain significance (1 of 4 stars; one submission).

Conditions:
Severe combined immunodeficiency due to DCLRE1C deficiency (RS-SCID). Also called: SCID, AUTOSOMAL RECESSIVE, T CELL-NEGATIVE, B CELL-NEGATIVE, NK CELL-POSITIVE, WITH SENSITIVITY TO IONIZING RADIATION. Identifiers: Orphanet 275, MedGen C1865371, MONDO:0011225, OMIM 602450.

Submission:

Labcorp Genetics (formerly Invitae), Labcorp
Classification: Uncertain significance for Athabaskan severe combined immunodeficiency. Last evaluated: 2022-06-22. Review status: criteria provided, single submitter. Criteria: Invitae Variant Classification Sherloc (09022015). Collection method: clinical testing. Allele origin: germline.
Comment: In summary, the available evidence is currently insufficient to determine the role of this variant in disease. Therefore, it has been classified as a Variant of Uncertain Significance. Algorithms developed to predict the effect of sequence changes on RNA splicing suggest that this variant may disrupt the consensus splice site. This variant has not been reported in the literature in individuals affected with DCLRE1C-related conditions. This variant is not present in population databases (gnomAD no frequency). This sequence change affects codon 154 of the DCLRE1C mRNA. It is a 'silent' change, meaning that it does not change the encoded amino acid sequence of the DCLRE1C protein.